The following is an entry in ClinVar:

NM_014946.4(SPAST):c.1066G>A (p.Glu356Lys)

Gene: SPAST (spastin; plus strand). Cytogenetic location: 2p22.3.
Variant type: single nucleotide variant.
Coding change: c.1066G>A on transcript NM_014946.4 (MANE Select); coding-DNA position 1066, G replaced by A.
Protein change: p.Glu356Lys; replaces glutamic acid 356 with lysine.
Molecular consequence: missense variant.
Genome position (GRCh38, 1-based): chr2:32,116,180, G>A. VCF-style: chr2-32116180-G-A. GRCh37 (hg19) VCF-style: chr2-32341249-G-A.
Other names: c.1063G>A, p.Glu355Lys (NM_001363823.2); c.967G>A, p.Glu323Lys (NM_001363875.2); c.970G>A, p.Glu324Lys (NM_001377959.1, NM_199436.2); c.1066G>A (NM_014946.3); short protein forms E356K, E355K, E323K, E324K.
Identifiers: ClinVar variation 374641 (VCV000374641.46), dbSNP rs1057519181, ClinGen allele CA16043827.

ClinVar aggregate classification (germline): Pathogenic/Likely pathogenic. Review status: criteria provided, multiple submitters, no conflicts (2 of 4 stars). 3 submissions from 3 submitters: Pathogenic (2); Likely pathogenic (1). Last evaluated 2023-12-20.

Conditions:
Inborn genetic diseases. Identifiers: MedGen C0950123, MeSH D030342.
Hereditary spastic paraplegia 4. Also called: Spastic Paraplegia 4; Spastic paraplegia 4, autosomal dominant; Familial spastic paraplegia autosomal dominant 2. Identifiers: Orphanet 100985, MedGen C1866855, MONDO:0008438, OMIM 182601.

Submissions (3):

Ambry Genetics
Classification: Pathogenic for Inborn genetic diseases. Last evaluated: 2023-12-20. Review status: criteria provided, single submitter. Criteria: Ambry Variant Classification Scheme 2023. Collection method: clinical testing. Allele origin: germline.
Comment: The c.1066G>A (p.E356K) alteration is located in exon 7 (coding exon 7) of the SPAST gene. This alteration results from a G to A substitution at nucleotide position 1066, causing the glutamic acid (E) at amino acid position 356 to be replaced by a lysine (K). This variant was not reported in population-based cohorts in the Genome Aggregation Database (gnomAD). Additionally, SPAST-related spastic paraplegia phenotype was generated from in vitro human neuromuscular junctions from patient-specific induced pluripotent stem cell lines (Costamagna, 2022). Two other alterations at the same codon, c.1068A>C (p.E365D) and c.1067A>G (p.E365G), have been detected in individuals with hereditary spastic paraplegia (McDermott, 2006; Parodi, 2018). This amino acid position is highly conserved in available vertebrate species. This missense alteration is located in a region that has a low rate of benign missense variation (Lek, 2016; Firth, 2009). This alteration is predicted to be deleterious by in silico analysis. Based on the available evidence, this alteration is classified as pathogenic.

CeGaT Center for Human Genetics Tuebingen
Classification: Likely pathogenic. Last evaluated: 2016-07-01. Review status: criteria provided, single submitter. Criteria: CeGaT Center For Human Genetics Tuebingen Variant Classification Criteria Version 2. Collection method: clinical testing. Allele origin: germline. Affected: yes. Observed: 1 variant allele.

Paris Brain Institute, Inserm - ICM
Classification: Pathogenic for Hereditary spastic paraplegia 4. Review status: criteria provided, single submitter. Criteria: ACMG Guidelines, 2015. Collection method: clinical testing. Allele origin: unknown. Affected: yes. Observed: 1 variant allele.

Literature cited by the submitters: PubMed 16832076 (cited by Ambry Genetics); PubMed 30476002 (cited by Ambry Genetics); PubMed 36359747 (cited by Ambry Genetics).